The following is an entry in ClinVar:

NM_018896.5(CACNA1G):c.1556C>A (p.Pro519Gln)

Gene: CACNA1G (calcium voltage-gated channel subunit alpha1 G; plus strand). Cytogenetic location: 17q21.33.
Variant type: single nucleotide variant.
Coding change: c.1556C>A on transcript NM_018896.5 (MANE Select); coding-DNA position 1556, C replaced by A.
Protein change: p.Pro519Gln; replaces proline 519 with glutamine.
Molecular consequence: missense variant. On other transcripts: non-coding transcript variant (5).
Genome position (GRCh38, 1-based): chr17:50,575,958, C>A. VCF-style: chr17-50575958-C-A. GRCh37 (hg19) VCF-style: chr17-48653319-C-A.
Other names: c.1556C>A, p.Pro519Gln (NM_001256324.2, NM_001256325.2, NM_001256326.2 and 24 more transcripts); short protein forms P519Q.
Identifiers: ClinVar variation 3572652 (VCV003572652.1).

ClinVar aggregate classification (germline): Uncertain significance (1 of 4 stars; one submission).

gnomAD v4.1: 3 of 1,551,440 alleles (0.00019%); highest among the groups gnomAD compares: East Asian, 0.0073%; no homozygotes.

Submission:

GeneDx
Classification: Uncertain significance. Last evaluated: 2024-07-08. Review status: criteria provided, single submitter. Criteria: GeneDx Variant Classification Process June 2021. Collection method: clinical testing. Allele origin: germline. Affected: yes.
Comment: Not observed at significant frequency in large population cohorts (gnomAD); In silico analysis supports that this missense variant has a deleterious effect on protein structure/function; Has not been previously published as pathogenic or benign to our knowledge